The following is an entry in ClinVar:

ClinVar aggregate classification (germline): Uncertain significance (1 of 4 stars; one submission).

Conditions:
Werner syndrome (WRN). Identifiers: Orphanet 902, MedGen C0043119, MONDO:0010196, OMIM 277700.

gnomAD v4.1: 3 of 1,612,902 alleles (0.00019%); highest among the groups gnomAD compares: Non-Finnish European, 0.00025%; no homozygotes.

Submission:

Labcorp Genetics (formerly Invitae), Labcorp
Classification: Uncertain significance for Werner syndrome. Last evaluated: 2025-09-14. Review status: criteria provided, single submitter. Criteria: Invitae Variant Classification Sherloc (09022015). Collection method: clinical testing. Allele origin: germline.
Comment: This sequence change affects codon 660 of the WRN mRNA. It is a 'silent' change, meaning that it does not change the encoded amino acid sequence of the WRN protein. It affects a nucleotide within the consensus splice site. This variant is not present in population databases (gnomAD no frequency). This variant has not been reported in the literature in individuals affected with WRN-related conditions. Algorithms developed to predict the effect of sequence changes on RNA splicing suggest that this variant is not likely to affect RNA splicing. In summary, the available evidence is currently insufficient to determine the role of this variant in disease. Therefore, it has been classified as a Variant of Uncertain Significance.

NM_000553.6(WRN):c.1980T>C (p.Ile660=)

Gene: WRN (WRN RecQ like helicase; plus strand). Cytogenetic location: 8p12.
Variant type: single nucleotide variant.
Coding change: c.1980T>C on transcript NM_000553.6 (MANE Select); coding-DNA position 1980, T replaced by C.
Protein change: p.Ile660=; no amino-acid change (isoleucine 660 retained).
Molecular consequence: synonymous variant.
Genome position (GRCh38, 1-based): chr8:31,096,849, T>C. VCF-style: chr8-31096849-T-C. GRCh37 (hg19) VCF-style: chr8-30954365-T-C.
Identifiers: ClinVar variation 4705140 (VCV004705140.1).